The following is an entry in ClinVar:

ClinVar aggregate classification (germline): Uncertain significance (1 of 4 stars; one submission).

gnomAD v4.1: 16 of 1,548,382 alleles (0.001%); highest among the groups gnomAD compares: African/African-American, 0.0014%; no homozygotes.

Submission:

Labcorp Genetics (formerly Invitae), Labcorp
Classification: Uncertain significance. Last evaluated: 2023-12-12. Review status: criteria provided, single submitter. Criteria: Invitae Variant Classification Sherloc (09022015). Collection method: clinical testing. Allele origin: germline.
Comment: This sequence change replaces arginine, which is basic and polar, with threonine, which is neutral and polar, at codon 1921 of the PIEZO1 protein (p.Arg1921Thr). This variant is not present in population databases (gnomAD no frequency). This variant has not been reported in the literature in individuals affected with PIEZO1-related conditions. Advanced modeling of protein sequence and biophysical properties (such as structural, functional, and spatial information, amino acid conservation, physicochemical variation, residue mobility, and thermodynamic stability) performed at Invitae indicates that this missense variant is not expected to disrupt PIEZO1 protein function with a negative predictive value of 80%. In summary, the available evidence is currently insufficient to determine the role of this variant in disease. Therefore, it has been classified as a Variant of Uncertain Significance.

NM_001142864.4(PIEZO1):c.5762G>C (p.Arg1921Thr)

Gene: PIEZO1 (piezo type mechanosensitive ion channel component 1 (Er blood group); minus strand). Cytogenetic location: 16q24.3.
Variant type: single nucleotide variant.
Coding change: c.5762G>C on transcript NM_001142864.4 (MANE Select); coding-DNA position 5762, G replaced by C.
Protein change: p.Arg1921Thr; replaces arginine 1921 with threonine.
Molecular consequence: missense variant.
Genome position (GRCh38, 1-based): chr16:88,720,655, C>G on the plus strand (G>C on the coding strand, the complement: PIEZO1 is on the minus strand). VCF-style: chr16-88720655-C-G. GRCh37 (hg19) VCF-style: chr16-88787063-C-G.
Other names: c.4304G>C, p.Arg1435Thr (NM_014745.1); short protein forms R1435T, R1921T.
Identifiers: ClinVar variation 2879120 (VCV002879120.3), dbSNP rs912716084, ClinGen allele CA397088645.